The following is an entry in ClinVar:

NM_007294.4(BRCA1):c.4185+3984G>T

Gene: BRCA1 (BRCA1 DNA repair associated; minus strand). Cytogenetic location: 17q21.31.
Variant type: single nucleotide variant.
Coding change: c.4185+3984G>T on transcript NM_007294.4 (MANE Select); 3984 bases into the intron after coding-DNA position 4185, G replaced by T.
Molecular consequence: intron variant.
Genome position (GRCh38, 1-based): chr17:43,086,960, C>A on the plus strand (G>T on the coding strand, the complement: BRCA1 is on the minus strand). VCF-style: chr17-43086960-C-A. GRCh37 (hg19) VCF-style: chr17-41238977-C-A.
Other names: c.876+3984G>T (NM_001407975.1, NM_001407971.1, NM_001407973.1 and 17 more transcripts); c.873+3984G>T (NM_001408401.1, NM_001408396.1, NM_001407985.1 and 13 more transcripts); c.870+3984G>T (NM_001408406.1); c.4182+3984G>T (NM_001407644.1, NM_001407627.1, NM_001407861.1 and 22 more transcripts); c.4185+3984G>T (NM_001407641.1, NM_001407624.1, NM_001407858.1 and 30 more transcripts); c.636+3984G>T (NM_001408494.1); c.753+3984G>T (NM_001408444.1, NM_001408438.1, NM_001408430.1 and 12 more transcripts); c.4062+3984G>T (NM_001407676.1, NM_001407679.1, NM_001407938.1 and 19 more transcripts); and 41 more.
Identifiers: ClinVar variation 2712201 (VCV002712201.3), dbSNP rs2053252154, ClinGen allele CA2697559872.

ClinVar aggregate classification (germline): Uncertain significance (1 of 4 stars; one submission).

Conditions:
Hereditary breast ovarian cancer syndrome. Also called: Hereditary breast and ovarian cancer syndrome; Hereditary breast and ovarian cancer syndrome (HBOC); Hereditary breast and/or ovarian cancer syndrome; Hereditary breast and ovarian cancer; Breast and ovarian cancer; BRCA1- and BRCA2-Associated Hereditary Breast and Ovarian Cancer. Identifiers: Orphanet 145, MedGen C0677776, MeSH D061325, MONDO:0003582. Disease mechanism: loss of function.

Submission:

Labcorp Genetics (formerly Invitae), Labcorp
Classification: Uncertain significance for Hereditary breast ovarian cancer syndrome. Last evaluated: 2024-01-29. Review status: criteria provided, single submitter. Criteria: Invitae Variant Classification Sherloc (09022015). Collection method: clinical testing. Allele origin: germline.
Comment: This sequence change falls in intron 11 of the BRCA1 gene. It does not directly change the encoded amino acid sequence of the BRCA1 protein. RNA analysis indicates that this variant induces altered splicing and may result in an absent or disrupted protein product. This variant is not present in population databases (gnomAD no frequency). This variant has not been reported in the literature in individuals affected with BRCA1-related conditions. Studies have shown that this variant results in activation of a cryptic splice site and introduces a premature termination codon (Invitae). The resulting mRNA is expected to undergo nonsense-mediated decay. In summary, the available evidence is currently insufficient to determine the role of this variant in disease. Therefore, it has been classified as a Variant of Uncertain Significance.